The following is an entry in ClinVar:

ClinVar aggregate classification (germline): Likely benign. Review status: criteria provided, single submitter (1 of 4 stars). 2 submissions from 2 submitters: Likely benign (1). 1 of the submissions does not count toward it. Last evaluated 2025-10-09.

Conditions:
COL4A1-related disorder. Also called: COL4A1-related condition; COL4A1-related disorders. Identifiers: MedGen CN376119, MONDO:0800461.

Allele frequency attached by ClinVar (database versions not stated): gnomAD exomes 0.00001; ExAC 0.00003.

Submissions (2):

Labcorp Genetics (formerly Invitae), Labcorp
Classification: Likely benign. Last evaluated: 2025-10-09. Review status: criteria provided, single submitter. Criteria: Invitae Variant Classification Sherloc (09022015). Collection method: clinical testing. Allele origin: germline.

PreventionGenetics, part of Exact Sciences
Classification: Likely benign for COL4A1-related condition. Last evaluated: 2019-11-13. Review status: no assertion criteria provided. Collection method: clinical testing. Allele origin: germline. Not counted in ClinVar's aggregate classification.
Comment: This variant is classified as likely benign based on ACMG/AMP sequence variant interpretation guidelines (Richards et al. 2015 PMID: 25741868, with internal and published modifications).

NM_001845.6(COL4A1):c.958-9del

Gene: COL4A1 (collagen type IV alpha 1 chain; minus strand). Cytogenetic location: 13q34.
Variant type: Deletion.
Coding change: c.958-9del on transcript NM_001845.6 (MANE Select); 9 bases into the intron before coding-DNA position 958, one base deleted (C; older notation c.958-9delC).
Molecular consequence: intron variant.
Genome position (GRCh38, 1-based): chr13:110,203,616, G deleted on the plus strand (C on the coding strand, the reverse complement: COL4A1 is on the minus strand). VCF-style (leftmost placement, unchanged base first): chr13-110203615-AG-A. GRCh37 (hg19) VCF-style: chr13-110855962-AG-A.
Other names: c.958-9del (NM_001303110.2); c.958-9delC (NM_001845.5).
Identifiers: ClinVar variation 1965547 (VCV001965547.7), dbSNP rs774257677, ClinGen allele CA7048182.